The following is an entry in ClinVar:

ClinVar aggregate classification (germline): Uncertain significance (1 of 4 stars; one submission).

Conditions:
Hereditary cancer-predisposing syndrome. Also called: Neoplastic Syndromes, Hereditary; Tumor predisposition; Hereditary neoplastic syndrome; Hereditary Cancer Syndrome. Identifiers: Orphanet 140162, MedGen C0027672, MeSH D009386, MONDO:0015356.

Submission:

Ambry Genetics
Classification: Uncertain significance for Hereditary cancer-predisposing syndrome. Last evaluated: 2026-09-01. Review status: criteria provided, single submitter. Criteria: Ambry Variant Classification Scheme 2023. Collection method: clinical testing. Allele origin: germline.
Comment: The c.618_620dupACT variant (also known as p.L208dup), located in coding exon 5 of the FH gene, results from an in-frame duplication of ACT at nucleotide positions 618 to 620. This results in the duplication of an extra leucine residue between codons 208 and 209. This variant was reported in individual(s) with paraganglioma (Ambry internal data). This amino acid position is highly conserved in available vertebrate species. In addition, this variant is predicted to be deleterious by in silico analysis (Choi Y et al. PLoS ONE. 2012; 7(10):e46688). Based on the available evidence, the clinical significance of this variant remains unclear.

NM_000143.4(FH):c.618_620dup (p.Leu208_Pro209insLeu)

Gene: FH (fumarate hydratase; minus strand). Cytogenetic location: 1q43.
Variant type: Duplication.
Coding change: c.618_620dup on transcript NM_000143.4 (MANE Select); coding-DNA positions 618 to 620, 3 bases duplicated (ACT; older notation c.618_620dupACT).
Protein change: p.Leu208_Pro209insLeu.
Molecular consequence: inframe indel (on NM_000143.3).
Genome position (GRCh38, 1-based): chr1:241,508,721-241,508,723, AGT duplicated on the plus strand (ACT on the coding strand, the reverse complement: FH is on the minus strand); duplicating any 3 consecutive bases within chr1:241,508,721-241,508,724 gives the same sequence; the c. name uses the placement nearest the transcript's 3' end. VCF-style (leftmost placement, unchanged base first): chr1-241508720-C-CAGT. GRCh37 (hg19) VCF-style: chr1-241672020-C-CAGT.
Other names: c.618_620dupACT (NM_000143.3).
Identifiers: ClinVar variation 5021788 (VCV005021788.1).